The following is an entry in ClinVar:

ClinVar aggregate classification (germline): Uncertain significance. Review status: criteria provided, multiple submitters, no conflicts (2 of 4 stars). 3 submissions from 3 submitters: Uncertain significance (3). Last evaluated 2025-09-23.

Conditions:
Aicardi-Goutieres syndrome 6 (AGS6). Identifiers: Orphanet 51, MedGen C3539013, MONDO:0014007, OMIM 615010.
Symmetrical dyschromatosis of extremities (DSH). Also called: DYSCHROMATOSIS SYMMETRICA HEREDITARIA 1; RETICULATE ACROPIGMENTATION OF DOHI; SYMMETRIC DYSCHROMATOSIS OF THE EXTREMITIES; Dyschromatosis symmetrica hereditaria. Identifiers: Orphanet 41, MedGen C0406775, MONDO:0007483, OMIM 127400.

Allele frequency attached by ClinVar (database versions not stated): gnomAD 0.00001 and 0.00002; TOPMed 0.00001; gnomAD exomes 0.00002; ExAC 0.00003.
gnomAD v4.1: 38 of 1,613,890 alleles (0.0024%); highest among the groups gnomAD compares: East Asian, 0.013%; no homozygotes.

Submissions (3):

Labcorp Genetics (formerly Invitae), Labcorp
Classification: Uncertain significance for Aicardi-Goutieres syndrome 6; Symmetrical dyschromatosis of extremities. Last evaluated: 2025-09-23. Review status: criteria provided, single submitter. Criteria: Invitae Variant Classification Sherloc (09022015). Collection method: clinical testing. Allele origin: germline.
Comment: This sequence change replaces arginine, which is basic and polar, with glutamine, which is neutral and polar, at codon 850 of the ADAR protein (p.Arg850Gln). This variant is present in population databases (rs750048114, gnomAD 0.006%). This variant has not been reported in the literature in individuals affected with ADAR-related conditions. ClinVar contains an entry for this variant (Variation ID: 806224). Invitae Evidence Modeling of protein sequence and biophysical properties (such as structural, functional, and spatial information, amino acid conservation, physicochemical variation, residue mobility, and thermodynamic stability) indicates that this missense variant is not expected to disrupt ADAR protein function with a negative predictive value of 80%. In summary, the available evidence is currently insufficient to determine the role of this variant in disease. Therefore, it has been classified as a Variant of Uncertain Significance.

Genome-Nilou Lab
Classification: Uncertain significance for Aicardi-Goutieres syndrome 6. Last evaluated: 2023-04-11. Review status: criteria provided, single submitter. Criteria: ACMG Guidelines, 2015. Collection method: clinical testing. Allele origin: germline. Affected: no.

CeGaT Center for Human Genetics Tuebingen
Classification: Uncertain significance. Last evaluated: 2019-02-01. Review status: criteria provided, single submitter. Criteria: CeGaT Center For Human Genetics Tuebingen Variant Classification Criteria Version 2. Collection method: clinical testing. Allele origin: germline. Affected: yes. Observed: 1 variant allele.

NM_001111.5(ADAR):c.2549G>A (p.Arg850Gln)

Genes: ADAR (adenosine deaminase RNA specific; minus strand), LOC126805874 (CDK7 strongly-dependent group 2 enhancer GRCh37_chr1:154561176-154562375; plus strand). Cytogenetic location: 1q21.3.
Variant type: single nucleotide variant.
Coding change: c.2549G>A on transcript NM_001111.5 (MANE Select); coding-DNA position 2549, G replaced by A.
Protein change: p.Arg850Gln; replaces arginine 850 with glutamine.
Molecular consequence: missense variant.
Genome position (GRCh38, 1-based): chr1:154,589,876, C>T on the plus strand (G>A on the coding strand, the complement: ADAR is on the minus strand). VCF-style: chr1-154589876-C-T. GRCh37 (hg19) VCF-style: chr1-154562352-C-T.
Other names: c.1664G>A, p.Arg555Gln (NM_001025107.3, NM_001193495.2, NM_001365046.1 and 2 more transcripts); c.2576G>A, p.Arg859Gln (NM_001365045.1); c.1586G>A, p.Arg529Gln (NM_001365049.1); c.2471G>A, p.Arg824Gln (NM_015840.4); c.2414G>A, p.Arg805Gln (NM_015841.4); short protein forms R555Q, R824Q, R859Q, R850Q, R529Q, R805Q.
Identifiers: ClinVar variation 806224 (VCV000806224.51), dbSNP rs750048114, ClinGen allele CA1131227.